The following is an entry in ClinVar:

ClinVar aggregate classification (germline): Uncertain significance (1 of 4 stars; one submission).

Submission:

CeGaT Center for Human Genetics Tuebingen
Classification: Uncertain significance. Last evaluated: 2022-03-01. Review status: criteria provided, single submitter. Criteria: CeGaT Center For Human Genetics Tuebingen Variant Classification Criteria Version 2. Collection method: clinical testing. Allele origin: germline. Affected: yes. Observed: 1 variant allele.
Comment: SCN2A: PM2, PP3, PS2:Supporting, PS4:Supporting

NM_001040142.2(SCN2A):c.5327T>C (p.Leu1776Pro)

Gene: SCN2A (sodium voltage-gated channel alpha subunit 2; plus strand). Cytogenetic location: 2q24.3.
Variant type: single nucleotide variant.
Coding change: c.5327T>C on transcript NM_001040142.2 (MANE Select); coding-DNA position 5327, T replaced by C.
Protein change: p.Leu1776Pro; replaces leucine 1776 with proline.
Molecular consequence: missense variant.
Genome position (GRCh38, 1-based): chr2:165,389,133, T>C. VCF-style: chr2-165389133-T-C. GRCh37 (hg19) VCF-style: chr2-166245643-T-C.
Other names: c.5327T>C, p.Leu1776Pro (NM_001040143.2, NM_001371246.1, NM_001371247.1 and 1 more transcripts); short protein forms L1776P.
Identifiers: ClinVar variation 1675805 (VCV001675805.32), dbSNP rs2105402988, ClinGen allele CA349038719.